The following is an entry in ClinVar:

ClinVar aggregate classification (germline): Uncertain significance (1 of 4 stars; one submission).

Submission:

Labcorp Genetics (formerly Invitae), Labcorp
Classification: Uncertain significance. Last evaluated: 2022-06-10. Review status: criteria provided, single submitter. Criteria: Invitae Variant Classification Sherloc (09022015). Collection method: clinical testing. Allele origin: germline.
Comment: Algorithms developed to predict the effect of missense changes on protein structure and function (SIFT, PolyPhen-2, Align-GVGD) all suggest that this variant is likely to be tolerated. This variant has not been reported in the literature in individuals affected with CYCS-related conditions. This variant is not present in population databases (gnomAD no frequency). This sequence change replaces glutamic acid, which is acidic and polar, with lysine, which is basic and polar, at codon 90 of the CYCS protein (p.Glu90Lys). In summary, the available evidence is currently insufficient to determine the role of this variant in disease. Therefore, it has been classified as a Variant of Uncertain Significance.

NM_018947.6(CYCS):c.268G>A (p.Glu90Lys)

Gene: CYCS (cytochrome c, somatic; minus strand). Cytogenetic location: 7p15.3.
Variant type: single nucleotide variant.
Coding change: c.268G>A on transcript NM_018947.6 (MANE Select); coding-DNA position 268, G replaced by A.
Protein change: p.Glu90Lys; replaces glutamic acid 90 with lysine.
Molecular consequence: missense variant.
Genome position (GRCh38, 1-based): chr7:25,123,751, C>T on the plus strand (G>A on the coding strand, the complement: CYCS is on the minus strand). VCF-style: chr7-25123751-C-T. GRCh37 (hg19) VCF-style: chr7-25163370-C-T.
Other names: short protein forms E90K.
Identifiers: ClinVar variation 2004377 (VCV002004377.4), dbSNP rs2535205600, ClinGen allele CA367060054.